The following is an entry in ClinVar:

NM_000275.3(OCA2):c.2383G>C (p.Gly795Arg)

Gene: OCA2 (OCA2 melanosomal transmembrane protein; minus strand). Cytogenetic location: 15q13.1.
Variant type: single nucleotide variant.
Coding change: c.2383G>C on transcript NM_000275.3 (MANE Select); coding-DNA position 2383, G replaced by C.
Protein change: p.Gly795Arg; replaces glycine 795 with arginine.
Molecular consequence: missense variant.
Genome position (GRCh38, 1-based): chr15:27,845,008, C>G on the plus strand (G>C on the coding strand, the complement: OCA2 is on the minus strand). VCF-style: chr15-27845008-C-G. GRCh37 (hg19) VCF-style: chr15-28090154-C-G.
Other names: c.2311G>C, p.Gly771Arg (NM_001300984.2); short protein forms G771R, G795R.
Identifiers: ClinVar variation 2736159 (VCV002736159.3), dbSNP rs2035479169, ClinGen allele CA391358411.

ClinVar aggregate classification (germline): Uncertain significance (1 of 4 stars; one submission).

Submission:

Labcorp Genetics (formerly Invitae), Labcorp
Classification: Uncertain significance. Last evaluated: 2022-11-23. Review status: criteria provided, single submitter. Criteria: Invitae Variant Classification Sherloc (09022015). Collection method: clinical testing. Allele origin: germline.
Comment: In summary, the available evidence is currently insufficient to determine the role of this variant in disease. Therefore, it has been classified as a Variant of Uncertain Significance. Advanced modeling of protein sequence and biophysical properties (such as structural, functional, and spatial information, amino acid conservation, physicochemical variation, residue mobility, and thermodynamic stability) performed at Invitae indicates that this missense variant is expected to disrupt OCA2 protein function. This missense change has been observed in individual(s) with clinical features of oculocutaneous albinism (PMID: 10987646, 20019752; Invitae). In at least one individual the data is consistent with being in trans (on the opposite chromosome) from a pathogenic variant. This variant is not present in population databases (gnomAD no frequency). This sequence change replaces glycine, which is neutral and non-polar, with arginine, which is basic and polar, at codon 795 of the OCA2 protein (p.Gly795Arg).

Literature cited by the submitters: PubMed 10987646; PubMed 20019752.